The following is an entry in ClinVar:

NM_018897.3(DNAH7):c.*9C>T

Gene: DNAH7 (dynein axonemal heavy chain 7; minus strand). Cytogenetic location: 2q32.3.
Variant type: single nucleotide variant.
Coding change: c.*9C>T on transcript NM_018897.3 (MANE Select); 9 bases downstream of the stop codon, C replaced by T.
Molecular consequence: 3 prime UTR variant.
Genome position (GRCh38, 1-based): chr2:195,737,912, G>A on the plus strand (C>T on the coding strand, the complement: DNAH7 is on the minus strand). VCF-style: chr2-195737912-G-A. GRCh37 (hg19) VCF-style: chr2-196602636-G-A.
Identifiers: ClinVar variation 3046089 (VCV003046089.2), dbSNP rs776971954, ClinGen allele CA2033545.
Genomic context (GRCh38, chr2:195,737,912, plus strand): 5'-GTAGTAAAATATGCTTTCTCTACTCAGCCAGCCAACAAGAAATAGGAACAAGGAAATGAT[G>A]TCTTCTGGTTATGAATTAAGTTGACATAACAGTGCTACACCTCGTCCAATCCAGTGTTCC-3'

ClinVar aggregate classification (germline): Likely benign (0 of 4 stars; one submission).

Conditions:
DNAH7-related disorder. Also called: DNAH7-related condition.

Allele frequency attached by ClinVar (database versions not stated): gnomAD 0.00003; ExAC 0.00001; TOPMed 0.00001; gnomAD exomes 0.00002.
gnomAD v4.1: 37 of 1,612,396 alleles (0.0023%); highest among the groups gnomAD compares: South Asian, 0.0033%; no homozygotes.

Submission:

PreventionGenetics, part of Exact Sciences
Classification: Likely benign for DNAH7-related condition. Last evaluated: 2019-10-28. Review status: no assertion criteria provided. Collection method: clinical testing. Allele origin: germline.
Comment: This variant is classified as likely benign based on ACMG/AMP sequence variant interpretation guidelines (Richards et al. 2015 PMID: 25741868, with internal and published modifications).